The following is an entry in ClinVar:

NM_000256.3(MYBPC3):c.2487G>T (p.Leu829=)

Gene: MYBPC3 (myosin binding protein C3; minus strand). Cytogenetic location: 11p11.2.
Variant type: single nucleotide variant.
Coding change: c.2487G>T on transcript NM_000256.3 (MANE Select); coding-DNA position 2487, G replaced by T.
Protein change: p.Leu829=; no amino-acid change (leucine 829 retained).
Molecular consequence: synonymous variant.
Genome position (GRCh38, 1-based): chr11:47,337,506, C>A on the plus strand (G>T on the coding strand, the complement: MYBPC3 is on the minus strand). VCF-style: chr11-47337506-C-A. GRCh37 (hg19) VCF-style: chr11-47359057-C-A.
Other names: p.L829L:CTG>CTT.
Identifiers: ClinVar variation 42624 (VCV000042624.41), dbSNP rs201040413, ClinGen allele CA012359.

ClinVar aggregate classification (germline): Benign/Likely benign. Review status: criteria provided, multiple submitters, no conflicts (2 of 4 stars). 9 submissions from 9 submitters: Benign (1); Likely benign (8). Last evaluated 2026-01-08.

Conditions:
Cardiovascular phenotype. Identifiers: MedGen CN230736.
Cardiomyopathy (CMYO). Also called: Cardiomyopathies. Identifiers: Orphanet 167848, MedGen C0878544, MONDO:0004994, HP:0001638. Inheritance: Various modes of inheritance.
Hypertrophic cardiomyopathy. Also called: HYPERTROPHIC MYOCARDIOPATHY. Identifiers: Orphanet 217569, MedGen C0007194, MeSH D002312, MONDO:0005045, HP:0001639.

Allele frequency attached by ClinVar (database versions not stated): ExAC 0.00006; gnomAD exomes 0.00006; gnomAD 0.00011 and 0.00012; TOPMed 0.00012; ESP Exome Variant Server 0.00023.
gnomAD v4.1: 214 of 1,613,948 alleles (0.013%); highest among the groups gnomAD compares: Non-Finnish European, 0.016%; no homozygotes.

Submissions (9):

Labcorp Genetics (formerly Invitae), Labcorp
Classification: Likely benign for Hypertrophic cardiomyopathy. Last evaluated: 2026-01-08. Review status: criteria provided, single submitter. Criteria: Invitae Variant Classification Sherloc (09022015). Collection method: clinical testing. Allele origin: germline.

CeGaT Center for Human Genetics Tuebingen
Classification: Likely benign. Last evaluated: 2025-01-01. Review status: criteria provided, single submitter. Criteria: CeGaT Center For Human Genetics Tuebingen Variant Classification Criteria Version 2. Collection method: clinical testing. Allele origin: germline. Affected: yes. Observed: 2 variant alleles.
Comment: MYBPC3: BP4, BP7

All of Us Research Program, National Institutes of Health
Classification: Likely benign for Hypertrophic cardiomyopathy. Last evaluated: 2024-02-05. Review status: criteria provided, single submitter. Criteria: ACMG Guidelines, 2015. Collection method: clinical testing. Allele origin: germline. Inheritance: Autosomal dominant inheritance. Observed: 28 variant alleles, 28 heterozygotes.
Comment: This study involves interpretation of variants in research participants for the purpose of population health screening. Participant phenotype was not available at the time of variant classification. Additional details can be found in publication PMID: 35346344, PMCID: PMC8962531

Blueprint Genetics
Classification: Likely benign. Last evaluated: 2023-12-13. Review status: criteria provided, single submitter. Criteria: ACMG Guidelines, 2015. Collection method: clinical testing. Allele origin: germline.

CHEO Genetics Diagnostic Laboratory, Children's Hospital of Eastern Ontario
Classification: Likely benign for Cardiomyopathy. Last evaluated: 2019-07-02. Review status: criteria provided, single submitter. Criteria: ACMG Guidelines, 2015. Collection method: clinical testing. Allele origin: germline.

Color Diagnostics, LLC DBA Color Health
Classification: Likely benign for Cardiomyopathy. Last evaluated: 2018-10-30. Review status: criteria provided, single submitter. Criteria: ACMG Guidelines, 2015. Collection method: clinical testing. Allele origin: germline.

Ambry Genetics
Classification: Likely benign for Cardiovascular phenotype. Last evaluated: 2016-12-18. Review status: criteria provided, single submitter. Criteria: Ambry Variant Classification Scheme 2023. Collection method: clinical testing. Allele origin: germline.

GeneDx
Classification: Benign. Last evaluated: 2014-06-23. Review status: criteria provided, single submitter. Criteria: GeneDx Variant Classification (06012015). Collection method: clinical testing. Allele origin: germline. Affected: yes.
Comment: This variant is considered likely benign or benign based on one or more of the following criteria: it is a conservative change, it occurs at a poorly conserved position in the protein, it is predicted to be benign by multiple in silico algorithms, and/or has population frequency not consistent with disease.

Laboratory for Molecular Medicine, Mass General Brigham Personalized Medicine
Classification: Likely benign. Last evaluated: 2012-01-20. Review status: criteria provided, single submitter. Criteria: LMM Criteria. Collection method: clinical testing. Allele origin: germline. Observed: 1 variant allele.
Comment: Leu829Leu in exon 25 of MYBPC3: This variant is not expected to have clinical si gnificance because it does not alter an amino acid residue, is not located withi n the splice consensus sequence, and has been identified in 3/6946 European Amer ican chromosomes by the NHLBI Exome Sequencing Project in a broad population. Leu829Leu in exon 25 of MYBPC3 (NHLBI Exome Se quencing Project, allele frequency = 3/6946)